The following is an entry in ClinVar:

NM_024426.6(WT1):c.76_80del (p.Gly26fs)

Genes: WT1 (WT1 transcription factor; minus strand), LOC107982234 (WT1/WT1-AS bi-directional promoter region; plus strand). Cytogenetic location: 11p13.
Variant type: Deletion.
Coding change: c.76_80del on transcript NM_024426.6 (MANE Select); coding-DNA positions 76 to 80, 5 bases deleted (GGGCC; older notation c.76_80delGGGCC).
Protein change: p.Gly26fs; shifts the reading frame from glycine 26.
Molecular consequence: frameshift variant. On other transcripts: non-coding transcript variant (2).
Genome position (GRCh38, 1-based): chr11:32,435,281-32,435,285, GGCCC deleted on the plus strand (GGGCC on the coding strand, the reverse complement: WT1 is on the minus strand); deleting any 5 consecutive bases within chr11:32,435,281-32,435,287 gives the same sequence; the c. name uses the placement nearest the transcript's 3' end. VCF-style (leftmost placement, unchanged base first): chr11-32435280-AGGCCC-A. GRCh37 (hg19) VCF-style: chr11-32456826-AGGCCC-A.
Other names: c.76_80del, p.Gly26fs (NM_000378.6, NM_001407044.1, NM_001407045.1 and 6 more transcripts); c.-146_-142delCCGGG (NM_001429031.1, NM_001429032.1, NM_001429033.1 and 1 more transcripts); c.59_63delCCGGG, p.Gly21Trpfs (NM_024425.2); short protein forms G26fs.
Identifiers: ClinVar variation 3075560 (VCV003075560.1), dbSNP rs2494489244, ClinGen allele CA2825001878.

ClinVar aggregate classification (germline): Uncertain significance (1 of 4 stars; one submission).

Conditions:
Wilms tumor 1 (WT1). Also called: Wilms tumor, somatic. Identifiers: Orphanet 654, MedGen CN033288, MONDO:0008679, OMIM 194070.

Submission:

All of Us Research Program, National Institutes of Health
Classification: Uncertain significance for Wilms tumor 1. Last evaluated: 2023-04-03. Review status: criteria provided, single submitter. Criteria: ACMG Guidelines, 2015. Collection method: clinical testing. Allele origin: germline. Inheritance: Autosomal dominant inheritance. Observed: 1 variant allele, 1 heterozygote.
Comment: This variant causes a 5-basepair deletion in exon 1 of the WT1 gene, and it is predicted to cause a frameshift at codon 21 and create a premature termination codon in exon 1 which may trigger nonsense-mediated decay. However, the WT1 gene has a protein isoform with translation initiation at p.Met69 that retains the functional domains for the WT protein (PMID: 2154335, 2154702). Therefore, the severity of the impact from this frameshift variant is unknown. This variant is also known as c.76_80del (p.Gly26Trpfs*29) based the reference transcripts, ENST00000452863 and NM_024426.6. To our knowledge, this variant has not been reported in individuals affected with hereditary cancer in the literature. This variant has not been identified in the general population by the Genome Aggregation Database (gnomAD). The available evidence is insufficient to determine the role of this variant in disease conclusively. Therefore, this variant is classified as a Variant of Uncertain Significance.

This study involves interpretation of variants in research participants for the purpose of population health screening. Participant phenotype was not available at the time of variant classification. Additional details can be found in publication PMID: 35346344, PMCID: PMC8962531

Literature cited by the submitters: PubMed 2154335; PubMed 2154702.